The following is an entry in ClinVar:

NM_177559.3(CSNK2A1):c.101+1G>T

Gene: CSNK2A1 (casein kinase 2 alpha 1; minus strand). Cytogenetic location: 20p13.
Variant type: single nucleotide variant.
Coding change: c.101+1G>T on transcript NM_177559.3 (MANE Select); the canonical splice donor site of the intron after coding-DNA position 101, G replaced by T.
Molecular consequence: splice donor variant. On other transcripts: intron variant (1).
Genome position (GRCh38, 1-based): chr20:508,450, C>A on the plus strand (G>T on the coding strand, the complement: CSNK2A1 is on the minus strand). VCF-style: chr20-508450-C-A. GRCh37 (hg19) VCF-style: chr20-489094-C-A.
Other names: c.-307-3221G>T (NM_177560.3); c.101+1G>T (NM_001362771.2, NM_001895.4, NM_001362770.2).
Identifiers: ClinVar variation 4293660 (VCV004293660.1).
Genomic context (GRCh38, chr20:508,450, plus strand): 5'-CAACAGATCCACAAGATTCAGCCCTTTGAGTGAGTATAATGAAGTCAACAAAAACAATTA[C>A]CCCCATTCCACCACATGTGACTCGTAATCCCAGTATTCTCGAGGTCTGTGTGTATTAACA-3'

ClinVar aggregate classification (germline): Likely pathogenic (1 of 4 stars; one submission).

Conditions:
Okur-Chung neurodevelopmental syndrome (OCNDS). Identifiers: Orphanet 689422, MedGen C4310739, MONDO:0014893, OMIM 617062.

Submission:

3billion
Classification: Likely pathogenic for Okur-Chung neurodevelopmental syndrome. Last evaluated: 2024-08-13. Review status: criteria provided, single submitter. Criteria: ACMG Guidelines, 2015. Collection method: clinical testing. Allele origin: germline. Affected: yes.
Comment: The variant is not observed in the gnomAD v4.0.0 dataset. Predicted Consequence/Location: Canonical splice site: predicted to alter splicing and result in a loss or disruption of normal protein function. Multiple pathogenic loss-of-function variants are reported downstream of the variant. In silico tools predict the variant to alter splicing and produce an abnormal transcript [SpliceAI: 0.89 (spliceogenicity >=0.2, non-spliceogenicity <0.1)]. Therefore, this variant is classified as Likely pathogenic according to the recommendation of ACMG/AMP guideline.